The following is an entry in ClinVar:

ClinVar aggregate classification (germline): Uncertain significance. Review status: criteria provided, multiple submitters, no conflicts (2 of 4 stars). 2 submissions from 2 submitters: Uncertain significance (2). Last evaluated 2025-12-19.

Allele frequency attached by ClinVar (database versions not stated): gnomAD 0.00009; ESP Exome Variant Server 0.00008.
gnomAD v4.1: 191 of 1,613,798 alleles (0.012%); highest among the groups gnomAD compares: Middle Eastern, 0.016%; no homozygotes.

Submissions (2):

Labcorp Genetics (formerly Invitae), Labcorp
Classification: Uncertain significance. Last evaluated: 2025-12-19. Review status: criteria provided, single submitter. Criteria: Invitae Variant Classification Sherloc (09022015). Collection method: clinical testing. Allele origin: germline.
Comment: This sequence change replaces arginine, which is basic and polar, with tryptophan, which is neutral and slightly polar, at codon 1006 of the FUK protein (p.Arg1006Trp). This variant is present in population databases (rs377157126, gnomAD 0.1%), and has an allele count higher than expected for a pathogenic variant. This variant has not been reported in the literature in individuals affected with FUK-related conditions. ClinVar contains an entry for this variant (Variation ID: 2918068). An algorithm developed to predict the effect of missense changes on protein structure and function (PolyPhen-2) suggests that this variant is likely to be tolerated. In summary, the available evidence is currently insufficient to determine the role of this variant in disease. Therefore, it has been classified as a Variant of Uncertain Significance.

Ambry Genetics
Classification: Uncertain significance. Last evaluated: 2022-07-14. Review status: criteria provided, single submitter. Criteria: Ambry Variant Classification Scheme 2023. Collection method: clinical testing. Allele origin: germline.

NM_145059.3(FCSK):c.3016C>T (p.Arg1006Trp)

Gene: FCSK (fucose kinase; plus strand). Cytogenetic location: 16q22.1.
Variant type: single nucleotide variant.
Coding change: c.3016C>T on transcript NM_145059.3 (MANE Select); coding-DNA position 3016, C replaced by T.
Protein change: p.Arg1006Trp; replaces arginine 1006 with tryptophan.
Molecular consequence: missense variant.
Genome position (GRCh38, 1-based): chr16:70,479,266, C>T. VCF-style: chr16-70479266-C-T. GRCh37 (hg19) VCF-style: chr16-70513169-C-T.
Other names: c.3016C>T (NM_145059.2); short protein forms R1006W.
Identifiers: ClinVar variation 2918068 (VCV002918068.4), dbSNP rs377157126, ClinGen allele CA8143843.